The following is an entry in ClinVar:

ClinVar aggregate classification (germline): Uncertain significance (1 of 4 stars; one submission).

gnomAD v4.1: 18 of 1,594,072 alleles (0.0011%); highest among the groups gnomAD compares: East Asian, 0.011%; no homozygotes.

Submission:

Labcorp Genetics (formerly Invitae), Labcorp
Classification: Uncertain significance. Last evaluated: 2025-12-23. Review status: criteria provided, single submitter. Criteria: Invitae Variant Classification Sherloc (09022015). Collection method: clinical testing. Allele origin: germline.
Comment: This sequence change replaces arginine, which is basic and polar, with histidine, which is basic and polar, at codon 3190 of the SRCAP protein (p.Arg3190His). This variant is present in population databases (rs547052090, gnomAD 0.02%). This variant has not been reported in the literature in individuals affected with SRCAP-related conditions. Invitae Evidence Modeling of protein sequence and biophysical properties (such as structural, functional, and spatial information, amino acid conservation, physicochemical variation, residue mobility, and thermodynamic stability) indicates that this missense variant is not expected to disrupt SRCAP protein function with a negative predictive value of 80%. In summary, the available evidence is currently insufficient to determine the role of this variant in disease. Therefore, it has been classified as a Variant of Uncertain Significance.

NM_006662.3(SRCAP):c.9569G>A (p.Arg3190His)

Gene: SRCAP (Snf2 related CREBBP activator protein; plus strand). Cytogenetic location: 16p11.2.
Variant type: single nucleotide variant.
Coding change: c.9569G>A on transcript NM_006662.3 (MANE Select); coding-DNA position 9569, G replaced by A.
Protein change: p.Arg3190His; replaces arginine 3190 with histidine.
Molecular consequence: missense variant.
Genome position (GRCh38, 1-based): chr16:30,739,609, G>A. VCF-style: chr16-30739609-G-A. GRCh37 (hg19) VCF-style: chr16-30750930-G-A.
Other names: short protein forms R3190H.
Identifiers: ClinVar variation 4709418 (VCV004709418.1).